The following is an entry in ClinVar:

ClinVar aggregate classification (germline): Pathogenic (1 of 4 stars; one submission).

Conditions:
Hereditary cancer-predisposing syndrome. Also called: Tumor predisposition; Hereditary Cancer Syndrome; Neoplastic Syndromes, Hereditary; Hereditary neoplastic syndrome. Identifiers: Orphanet 140162, MedGen C0027672, MeSH D009386, MONDO:0015356.

Submission:

Ambry Genetics
Classification: Pathogenic for Hereditary cancer-predisposing syndrome. Last evaluated: 2017-11-08. Review status: criteria provided, single submitter. Criteria: Ambry Variant Classification Scheme 2023. Collection method: clinical testing. Allele origin: germline.
Comment: The c.841_847delGACCACA pathogenic mutation, located in coding exon 9 of the BRCA2 gene, results from a deletion of 7 nucleotides at nucleotide positions 841 to 847, causing a translational frameshift with a predicted alternate stop codon (p.D281Lfs*9). This alteration is expected to result in loss of function by premature protein truncation or nonsense-mediated mRNA decay. As such, this alteration is interpreted as a disease-causing mutation.

NM_000059.4(BRCA2):c.841_847del (p.Asp281fs)

Gene: BRCA2 (BRCA2 DNA repair associated; plus strand). Cytogenetic location: 13q13.1.
Variant type: Deletion.
Coding change: c.841_847del on transcript NM_000059.4 (MANE Select); coding-DNA positions 841 to 847, 7 bases deleted (GACCACA; older notation c.841_847delGACCACA).
Protein change: p.Asp281fs; shifts the reading frame from aspartic acid 281.
Molecular consequence: frameshift variant.
Genome position (GRCh38, 1-based): chr13:32,332,319-32,332,325, GACCACA deleted; deleting any 7 consecutive bases within chr13:32,332,318-32,332,325 gives the same sequence; the c. name uses the placement nearest the transcript's 3' end. VCF-style (leftmost placement, unchanged base first): chr13-32332317-AAGACCAC-A. GRCh37 (hg19) VCF-style: chr13-32906454-AAGACCAC-A.
Other names: short protein forms D281fs.
Identifiers: ClinVar variation 822393 (VCV000822393.4), dbSNP rs1593891249, ClinGen allele CA915946953.
Genomic context (GRCh38, chr13:32,332,317, plus strand): 5'-TTTATACTTTAACAGGATTTGGAAAAACATCAGGGAATTCATTTAAAGTAAATAGCTGCA[AAGACCAC>A]ATTGGAAAGTCAATGCCAAATGTCCTAGAAGATGAAGTATATGAAACAGTTGTAGATACC-3'